The following is an entry in ClinVar:

ClinVar aggregate classification (germline): Benign (1 of 4 stars; one submission).

Conditions:
Exudative vitreoretinopathy 1 (EVR1). Also called: CRISWICK-SCHEPENS SYNDROME; FEVR, AUTOSOMAL DOMINANT; Familial exudative vitreoretinopathy, autosomal dominant. Identifiers: Orphanet 891, Orphanet 90050, MedGen C1851402, MONDO:0007589, OMIM 133780.

Allele frequency attached by ClinVar (database versions not stated): gnomAD 0.00622 and 0.00668; TOPMed 0.00707; 1000 Genomes Project 0.00719; 1000 Genomes Project 30x 0.00765.

Submission:

Illumina Laboratory Services, Illumina
Classification: Benign for Exudative vitreoretinopathy 1. Last evaluated: 2018-01-13. Review status: criteria provided, single submitter. Criteria: ICSL Variant Classification Criteria 13 December 2019. Collection method: clinical testing. Allele origin: germline.
Comment: This variant was observed in the ICSL laboratory as part of a predisposition screen in an ostensibly healthy population. It had not been previously curated by ICSL or reported in the Human Gene Mutation Database (HGMD: prior to June 1st, 2018), and was therefore a candidate for classification through an automated scoring system. Utilizing variant allele frequency, disease prevalence and penetrance estimates, and inheritance mode, an automated score was calculated to assess if this variant is too frequent to cause the disease. Based on the score and internal cut-off values, a variant classified as benign is not then subjected to further curation. The score for this variant resulted in a classification of benign for this disease.

NM_012193.4(FZD4):c.*5451G>A

Genes: PRSS23 (serine protease 23; plus strand), FZD4 (frizzled class receptor 4; minus strand). Cytogenetic location: 11q14.2.
Variant type: single nucleotide variant.
Coding change: c.*5451G>A on transcript NM_012193.4 (MANE Select); 5451 bases downstream of the stop codon, G replaced by A.
Molecular consequence: 3 prime UTR variant.
Genome position (GRCh38, 1-based): chr11:86,945,691, C>T on the plus strand (G>A on the coding strand, the complement: FZD4 is on the minus strand). VCF-style: chr11-86945691-C-T. GRCh37 (hg19) VCF-style: chr11-86656733-C-T.
Identifiers: ClinVar variation 306325 (VCV000306325.5), dbSNP rs58750277, ClinGen allele CA10635796.